The following is an entry in ClinVar:

ClinVar aggregate classification (germline): Uncertain significance (1 of 4 stars; one submission).

Submission:

GeneDx
Classification: Uncertain significance. Last evaluated: 2019-11-17. Review status: criteria provided, single submitter. Criteria: GeneDx Variant Classification Process June 2021. Collection method: clinical testing. Allele origin: germline. Affected: yes.
Comment: Not observed in large population cohorts (Lek et al., 2016); In silico analysis, which includes protein predictors and evolutionary conservation, supports a deleterious effect; Has not been previously published as pathogenic or benign to our knowledge

NM_003076.5(SMARCD1):c.566C>T (p.Thr189Ile)

Gene: SMARCD1 (SWI/SNF related, matrix associated, actin dependent regulator of chromatin, subfamily d, member 1; plus strand). Cytogenetic location: 12q13.12.
Variant type: single nucleotide variant.
Coding change: c.566C>T on transcript NM_003076.5 (MANE Select); coding-DNA position 566, C replaced by T.
Protein change: p.Thr189Ile; replaces threonine 189 with isoleucine.
Molecular consequence: missense variant.
Genome position (GRCh38, 1-based): chr12:50,087,397, C>T. VCF-style: chr12-50087397-C-T. GRCh37 (hg19) VCF-style: chr12-50481180-C-T.
Other names: c.566C>T, p.Thr189Ile (NM_139071.3); short protein forms T189I.
Identifiers: ClinVar variation 1310028 (VCV001310028.2), dbSNP rs762741274, ClinGen allele CA384787233.